The following is an entry in ClinVar:

NM_012084.4(GLUD2):c.1492T>G (p.Ser498Ala)

Gene: GLUD2 (glutamate dehydrogenase 2; plus strand). Cytogenetic location: Xq24.
Variant type: single nucleotide variant.
Coding change: c.1492T>G on transcript NM_012084.4 (MANE Select); coding-DNA position 1492, T replaced by G.
Protein change: p.Ser498Ala; replaces serine 498 with alanine.
Molecular consequence: missense variant.
Genome position (GRCh38, 1-based): chrX:121,049,176, T>G. VCF-style: chrX-121049176-T-G. GRCh37 (hg19) VCF-style: chrX-120183030-T-G.
Other names: S445A; short protein forms S498A.
Identifiers: ClinVar variation 29936 (VCV000029936.8), dbSNP rs9697983, ClinGen allele CA259694.
Genomic context (GRCh38, chrX:121,049,176, plus strand): 5'-TTTGGAAAGCATGGTGGAACTATTCCCATTGTACCCACGGCAGAGTTCCAAGACAGTATA[T>G]CGGGTGCATCTGAGAAAGACATTGTGCACTCTGCCTTGGCATACACAATGGAGCGTTCTG-3'
Protein context (NP_036216.2, residues 488-508): VPTAEFQDSI[Ser498Ala]GASEKDIVHS

ClinVar aggregate classification (germline): Conflicting classifications of pathogenicity. Review status: criteria provided, conflicting classifications (1 of 4 stars). 5 submissions from 5 submitters: Uncertain significance (2); Benign (1). 2 of the submissions do not count toward it. Last evaluated 2024-09-22.

Conditions:
GLUD2-related disorder. Also called: GLUD2-related condition.
Parkinson disease, late-onset (PD). Also called: PARKINSON DISEASE, LATE-ONSET, SUSCEPTIBILITY TO; Susceptibility to Parkinson's Disease; Hereditary late onset Parkinson disease. Identifiers: Orphanet 411602, MedGen C3160718, MONDO:0008199, OMIM 168600.

Allele frequency attached by ClinVar (database versions not stated): gnomAD exomes 0.02556 and 0.02664; ExAC 0.02763; TOPMed 0.02970; gnomAD 0.03104 and 0.03160; 1000 Genomes Project 30x 0.03205; 1000 Genomes Project 0.03285; ESP Exome Variant Server 0.03692.
gnomAD v4.1: 31,683 of 1,210,351 alleles (2.6%); highest among the groups gnomAD compares: African/African-American, 5.3%; 346 homozygotes.

Submissions (5):

Genomic Medicine Center of Excellence, King Faisal Specialist Hospital and Research Centre
Classification: Benign for Parkinson disease, late-onset. Last evaluated: 2024-09-22. Review status: criteria provided, single submitter. Criteria: ACMG Guidelines, 2015. Collection method: clinical testing. Allele origin: germline.

Laboratorio de Genetica e Diagnostico Molecular, Hospital Israelita Albert Einstein
Classification: Uncertain significance. Last evaluated: 2020-11-05. Review status: criteria provided, single submitter. Criteria: ACMG Guidelines, 2015. Collection method: clinical testing. Allele origin: germline. Affected: yes.
Comment: ACMG classification criteria: BP4

Neuberg Centre For Genomic Medicine, NCGM
Classification: Uncertain significance for Parkinson disease, late-onset. Review status: criteria provided, single submitter. Criteria: ACMG Guidelines, 2015. Collection method: clinical testing. Allele origin: germline. Inheritance: X-linked inheritance. Affected: yes.
Comment: The GLUD2 c.1492T>G variant has been reported previously to be a modifier of age of onset in Parkinsonism patient (Plaitakis A et al). The variant has been submitted to ClinVar as Pathogenic based on the same publication. Experimental studies have shown that estrogen hormones inhibited the enhanced basal activity of the X-linked variant much more powerfully than that of the widely expressed hGDH1. Hence, it seems likely that, in females, estrogens may nullify the gain-of-function effects observed in male patients by blocking the overactive variant enzyme from metabolizing increased amounts of glutamate (and, in the process, damaging nigral cells). Understanding the mechanisms by which the variant hastens the commencement of PD symptoms could provide a means for retarding the development of this disorder (Plaitakis A et al). This variant is reported in gnomAD database at a frequency of 2.756% with 2188 number of hemizygotes. The allele frequency is however expected to be skewed in gnomAD. The amino acid Ser at position 498 is changed to a Ala changing protein sequence and it might alter its composition and physico-chemical properties.In silico tools predict the variant to be tolerated. The residue is conserved across species. The amino acid change p.Ser498Ala in GLUD2 is predicted as conserved by GERP++ and PhyloP across 100 vertebrates. Considering the relative high frequency of the variant in the gnomAD, this variant has been classified as Uncertain significance.

PreventionGenetics, part of Exact Sciences
Classification: Benign for GLUD2-related condition. Last evaluated: 2022-04-06. Review status: no assertion criteria provided. Collection method: clinical testing. Allele origin: germline. Not counted in ClinVar's aggregate classification.
Comment: This variant is classified as benign based on ACMG/AMP sequence variant interpretation guidelines (Richards et al. 2015 PMID: 25741868, with internal and published modifications).

OMIM
Classification: Benign for RECLASSIFIED - GLUD2 POLYMORPHISM. Last evaluated: 2010-03-01. Review status: no assertion criteria provided. Collection method: literature only. Allele origin: germline. Not counted in ClinVar's aggregate classification.

Literature cited by the submitters: Hamosh, A. Personal Communication. 2023. Baltimore, Md. (cited by OMIM); PubMed 19826450 (cited by OMIM).